The following is an entry in ClinVar:

ClinVar aggregate classification (germline): Uncertain significance (1 of 4 stars; one submission).

Conditions:
Congenital brain dysgenesis due to glutamine synthetase deficiency (GLND). Also called: GLUTAMINE SYNTHASE DEFICIENCY, CONGENITAL SYSTEMIC. Identifiers: Orphanet 71278, MedGen C1864910, MONDO:0012393, OMIM 610015.

Submission:

Labcorp Genetics (formerly Invitae), Labcorp
Classification: Uncertain significance for Congenital brain dysgenesis due to glutamine synthetase deficiency. Last evaluated: 2019-10-16. Review status: criteria provided, single submitter. Criteria: Invitae Variant Classification Sherloc (09022015). Collection method: clinical testing. Allele origin: germline.
Comment: In summary, the available evidence is currently insufficient to determine the role of this variant in disease. Therefore, it has been classified as a Variant of Uncertain Significance. Algorithms developed to predict the effect of missense changes on protein structure and function (SIFT, PolyPhen-2, Align-GVGD) all suggest that this variant is likely to be disruptive, but these predictions have not been confirmed by published functional studies and their clinical significance is uncertain. This variant has not been reported in the literature in individuals with GLUL-related conditions. This variant is not present in population databases (ExAC no frequency). This sequence change replaces tryptophan with arginine at codon 219 of the GLUL protein (p.Trp219Arg). The tryptophan residue is highly conserved and there is a moderate physicochemical difference between tryptophan and arginine.

NM_001033044.4(GLUL):c.655T>C (p.Trp219Arg)

Gene: GLUL (glutamate-ammonia ligase; minus strand). Cytogenetic location: 1q25.3.
Variant type: single nucleotide variant.
Coding change: c.655T>C on transcript NM_001033044.4 (MANE Select); coding-DNA position 655, T replaced by C.
Protein change: p.Trp219Arg; replaces tryptophan 219 with arginine.
Molecular consequence: missense variant.
Genome position (GRCh38, 1-based): chr1:182,385,505, A>G on the plus strand (T>C on the coding strand, the complement: GLUL is on the minus strand). VCF-style: chr1-182385505-A-G. GRCh37 (hg19) VCF-style: chr1-182354640-A-G.
Other names: c.655T>C, p.Trp219Arg (NM_001033056.4, NM_002065.7); short protein forms W219R.
Identifiers: ClinVar variation 936123 (VCV000936123.9), dbSNP rs1650136962, ClinGen allele CA343639881.
Genomic context (GRCh38, chr1:182,385,505, plus strand): 5'-CAAAGGTTGCTATCACTCCAAAGTCTTCACACACACGATGCAAGATGAAACGGGCCACCC[A>G]GAGATGATCTCCCATGCTGATTCCTTCACAAGGTCCAATCTGAAATTCCCACTAGAAACG-3'
Protein context (NP_001028216.1, residues 209-229): CEGISMGDHL[Trp219Arg]VARFILHRVC